The following is an entry in ClinVar:

NM_015910.7(WDPCP):c.1101C>A (p.His367Gln)

Gene: WDPCP (WD repeat containing planar cell polarity effector; minus strand). Cytogenetic location: 2p15.
Variant type: single nucleotide variant.
Coding change: c.1101C>A on transcript NM_015910.7 (MANE Select); coding-DNA position 1101, C replaced by A.
Protein change: p.His367Gln; replaces histidine 367 with glutamine.
Molecular consequence: missense variant. On other transcripts: non-coding transcript variant (3).
Genome position (GRCh38, 1-based): chr2:63,404,382, G>T on the plus strand (C>A on the coding strand, the complement: WDPCP is on the minus strand). VCF-style: chr2-63404382-G-T. GRCh37 (hg19) VCF-style: chr2-63631517-G-T.
Other names: c.624C>A, p.His208Gln (NM_001042692.3); c.1029C>A, p.His343Gln (NM_001354044.2); c.1101C>A, p.His367Gln (NM_001354045.2); c.1101C>A (NM_015910.5); short protein forms H343Q, H208Q, H367Q.
Identifiers: ClinVar variation 1496963 (VCV001496963.4), dbSNP rs904401906, ClinGen allele CA49233678.

ClinVar aggregate classification (germline): Uncertain significance. Review status: criteria provided, multiple submitters, no conflicts (2 of 4 stars). 2 submissions from 2 submitters: Uncertain significance (2). Last evaluated 2025-08-03.

Conditions:
WDPCP-related disorder. Also called: WDPCP-related condition.
Bardet-Biedl syndrome (BBS). Identifiers: Orphanet 110, MedGen C0752166, MONDO:0015229.

Allele frequency attached by ClinVar (database versions not stated): TOPMed below 0.00001; gnomAD exomes 0.00001.
gnomAD v4.1: 8 of 1,614,190 alleles (0.0005%); highest among the groups gnomAD compares: South Asian, 0.0011%; no homozygotes.

Submissions (2):

PreventionGenetics, part of Exact Sciences
Classification: Uncertain significance for WDPCP-related condition. Last evaluated: 2025-08-03. Review status: criteria provided, single submitter. Criteria: ACMG Guidelines, 2015. Collection method: clinical testing. Allele origin: germline.
Comment: The WDPCP c.1101C>A variant is predicted to result in the amino acid substitution p.His367Gln. To our knowledge, this variant has not been reported in the literature. This variant is reported in 0.0018% of alleles in individuals of European (Non-Finnish) descent in gnomAD. At this time, the clinical significance of this variant is uncertain due to the absence of conclusive functional and genetic evidence.

Labcorp Genetics (formerly Invitae), Labcorp
Classification: Uncertain significance for Bardet-Biedl syndrome. Last evaluated: 2021-08-18. Review status: criteria provided, single submitter. Criteria: Invitae Variant Classification Sherloc (09022015). Collection method: clinical testing. Allele origin: germline.
Comment: This sequence change replaces histidine with glutamine at codon 367 of the WDPCP protein (p.His367Gln). The histidine residue is weakly conserved and there is a small physicochemical difference between histidine and glutamine. This variant is not present in population databases (ExAC no frequency). This variant has not been reported in the literature in individuals affected with WDPCP-related conditions. Algorithms developed to predict the effect of missense changes on protein structure and function (SIFT, PolyPhen-2, Align-GVGD) all suggest that this variant is likely to be tolerated. In summary, the available evidence is currently insufficient to determine the role of this variant in disease. Therefore, it has been classified as a Variant of Uncertain Significance.